The following is an entry in ClinVar:

ClinVar aggregate classification (germline): Uncertain significance. Review status: criteria provided, multiple submitters, no conflicts (2 of 4 stars). 2 submissions from 2 submitters: Uncertain significance (2). Last evaluated 2025-11-11.

Conditions:
Cardiovascular phenotype. Identifiers: MedGen CN230736.
Hereditary cancer-predisposing syndrome. Also called: Hereditary Cancer Syndrome; Neoplastic Syndromes, Hereditary; Tumor predisposition; Hereditary neoplastic syndrome. Identifiers: Orphanet 140162, MedGen C0027672, MeSH D009386, MONDO:0015356.

Submissions (2):

Ambry Genetics
Classification: Uncertain significance for Cardiovascular phenotype; Hereditary cancer-predisposing syndrome. Last evaluated: 2025-11-11. Review status: criteria provided, single submitter. Criteria: Ambry Variant Classification Scheme 2023. Collection method: clinical testing. Allele origin: germline.
Comment: The p.D646V variant (also known as c.1937A>T), located in coding exon 16 of the LZTR1 gene, results from an A to T substitution at nucleotide position 1937. The aspartic acid at codon 646 is replaced by valine, an amino acid with highly dissimilar properties. This amino acid position is conserved. In addition, the in silico prediction for this alteration is inconclusive. Based on the available evidence, the clinical significance of this variant remains unclear.

Labcorp Genetics (formerly Invitae), Labcorp
Classification: Uncertain significance. Last evaluated: 2025-01-15. Review status: criteria provided, single submitter. Criteria: Invitae Variant Classification Sherloc (09022015). Collection method: clinical testing. Allele origin: germline.
Comment: This sequence change replaces aspartic acid, which is acidic and polar, with valine, which is neutral and non-polar, at codon 646 of the LZTR1 protein (p.Asp646Val). This variant is not present in population databases (gnomAD no frequency). This variant has not been reported in the literature in individuals affected with LZTR1-related conditions. Invitae Evidence Modeling of protein sequence and biophysical properties (such as structural, functional, and spatial information, amino acid conservation, physicochemical variation, residue mobility, and thermodynamic stability) indicates that this missense variant is not expected to disrupt LZTR1 protein function with a negative predictive value of 80%. In summary, the available evidence is currently insufficient to determine the role of this variant in disease. Therefore, it has been classified as a Variant of Uncertain Significance.

NM_006767.4(LZTR1):c.1937A>T (p.Asp646Val)

Gene: LZTR1 (leucine zipper like post translational regulator 1; plus strand). Cytogenetic location: 22q11.21.
Variant type: single nucleotide variant.
Coding change: c.1937A>T on transcript NM_006767.4 (MANE Select); coding-DNA position 1937, A replaced by T.
Protein change: p.Asp646Val; replaces aspartic acid 646 with valine.
Molecular consequence: missense variant.
Genome position (GRCh38, 1-based): chr22:20,995,021, A>T. VCF-style: chr22-20995021-A-T. GRCh37 (hg19) VCF-style: chr22-21349310-A-T.
Other names: c.1937A>T (NM_006767.3); short protein forms D646V.
Identifiers: ClinVar variation 3610102 (VCV003610102.3).
Genomic context (GRCh38, chr22:20,995,021, plus strand): 5'-TGGAGATTGTGCGGCGGAAGCAGCAGCCGCCCCCTCGCACTCCCTTGGACCAGCCAGTGG[A>T]CATTGGTAGGGAGCCCCGTTCCCCTTCCCTGGGGGCTGGGAGGGATGGTGTTCATCTGCG-3'
Protein context (NP_006758.2, residues 636-656): PPRTPLDQPV[Asp646Val]IGTSLIQDMK